The following is an entry in ClinVar:

ClinVar aggregate classification (germline): Uncertain significance (1 of 4 stars; one submission).

Allele frequency attached by ClinVar (database versions not stated): gnomAD exomes below 0.00001; TOPMed below 0.00001.
gnomAD v4.1: 1 of 1,610,800 alleles (0.000062%); highest among the groups gnomAD compares: Non-Finnish European, 0.000085%; no homozygotes.

Submission:

Labcorp Genetics (formerly Invitae), Labcorp
Classification: Uncertain significance. Last evaluated: 2021-08-12. Review status: criteria provided, single submitter. Criteria: Invitae Variant Classification Sherloc (09022015). Collection method: clinical testing. Allele origin: germline.
Comment: This sequence change replaces proline with serine at codon 499 of the COL18A1 protein (p.Pro499Ser). There is a moderate physicochemical difference between proline and serine. This variant is not present in population databases (ExAC no frequency). This variant has not been reported in the literature in individuals affected with COL18A1-related conditions. Experimental studies and prediction algorithms are not available or were not evaluated, and the functional significance of this variant is currently unknown. In summary, the available evidence is currently insufficient to determine the role of this variant in disease. Therefore, it has been classified as a Variant of Uncertain Significance.

NM_001379500.1(COL18A1):c.1495C>T (p.Pro499Ser)

Gene: COL18A1 (collagen type XVIII alpha 1 chain; plus strand). Cytogenetic location: 21q22.3.
Variant type: single nucleotide variant.
Coding change: c.1495C>T on transcript NM_001379500.1 (MANE Select); coding-DNA position 1495, C replaced by T.
Protein change: p.Pro499Ser; replaces proline 499 with serine.
Molecular consequence: missense variant.
Genome position (GRCh38, 1-based): chr21:45,480,742, C>T. VCF-style: chr21-45480742-C-T. GRCh37 (hg19) VCF-style: chr21-46900656-C-T.
Other names: c.2035C>T, p.Pro679Ser (NM_030582.4); c.2740C>T, p.Pro914Ser (NM_130444.3); short protein forms P679S, P914S, P499S.
Identifiers: ClinVar variation 1965096 (VCV001965096.2), dbSNP rs1782614153, ClinGen allele CA410517681.